The following is an entry in ClinVar:

NM_024312.5(GNPTAB):c.2794_2796delinsTT (p.Ala932fs)

Gene: GNPTAB (N-acetylglucosamine-1-phosphate transferase subunits alpha and beta; minus strand). Cytogenetic location: 12q23.2.
Variant type: Indel.
Coding change: c.2794_2796delinsTT on transcript NM_024312.5 (MANE Select); coding-DNA positions 2794 to 2796, GCA replaced by TT.
Protein change: p.Ala932fs; shifts the reading frame from alanine 932.
Molecular consequence: frameshift variant.
Genome position (GRCh38, 1-based): chr12:101,761,683-101,761,685, TGC replaced by AA on the plus strand (GCA replaced by TT on the coding strand, the reverse complement: GNPTAB is on the minus strand). VCF-style: chr12-101761683-TGC-AA. GRCh37 (hg19) VCF-style: chr12-102155461-TGC-AA.
Other names: short protein forms A932fs.
Identifiers: ClinVar variation 1724818 (VCV001724818.3), dbSNP rs2547954945, ClinGen allele CA2580085678.
Genomic context (GRCh38, chr12:101,761,683, plus strand): 5'-TTTCCGCGATGTGAATCCAAACTTGCTATTTAGAATTTTATTTACATATCTGAGGGAATC[TGC>AA]AAATGTATCTTTTAGTTGCCTCCCAGTATTTTTGCTATCAGTGAAGTATGCCAATTGTGT-3'

ClinVar aggregate classification (germline): Likely pathogenic (1 of 4 stars; one submission).

Conditions:
GNPTAB-mucolipidosis. Also called: UDP-N-acetylglucosamine-1-phosphotransferase subunit alpha/beta deficiency. Identifiers: MedGen CN322573, MONDO:0100122.

Submission:

Myriad Genetics, Inc.
Classification: Likely pathogenic for GNPTAB-mucolipidosis. Last evaluated: 2022-02-28. Review status: criteria provided, single submitter. Criteria: Myriad Autosomal Dominant, Autosomal Recessive and X-Linked Classification Criteria (2023). Collection method: clinical testing. Allele origin: unknown.
Comment: NM_024312.4(GNPTAB):c.2794_2796delGCAinsTT(A932Lfs*7) is expected to be pathogenic in the context of GNPTAB-related disorders. This variant is predicted to lead to an abnormal or absent protein product due to the creation of a premature termination codon in GNPTAB, a gene where loss-of-function variants are known to be pathogenic. Please note: this variant was assessed in the context of healthy population screening.